The following is an entry in ClinVar:

NM_145331.3(MAP3K7):c.1056G>A (p.Leu352=)

Gene: MAP3K7 (mitogen-activated protein kinase kinase kinase 7; minus strand). Cytogenetic location: 6q15.
Variant type: single nucleotide variant.
Coding change: c.1056G>A on transcript NM_145331.3 (MANE Select); coding-DNA position 1056, G replaced by A.
Protein change: p.Leu352=; no amino-acid change (leucine 352 retained).
Molecular consequence: synonymous variant.
Genome position (GRCh38, 1-based): chr6:90,548,071, C>T on the plus strand (G>A on the coding strand, the complement: MAP3K7 is on the minus strand). VCF-style: chr6-90548071-C-T. GRCh37 (hg19) VCF-style: chr6-91257790-C-T.
Other names: c.1056G>A, p.Leu352= (NM_003188.4, NM_145332.3, NM_145333.3).
Identifiers: ClinVar variation 3038657 (VCV003038657.2), dbSNP rs758604367, ClinGen allele CA3928492.

ClinVar aggregate classification (germline): Likely benign (0 of 4 stars; one submission).

Conditions:
MAP3K7-related disorder.

Allele frequency attached by ClinVar (database versions not stated): ExAC 0.00001.
gnomAD v4.1: 2 of 1,610,168 alleles (0.00012%); highest among the groups gnomAD compares: Non-Finnish European, 0.000085%; no homozygotes.

Submission:

PreventionGenetics, part of Exact Sciences
Classification: Likely benign for MAP3K7-related condition. Last evaluated: 2019-05-23. Review status: no assertion criteria provided. Collection method: clinical testing. Allele origin: germline.
Comment: This variant is classified as likely benign based on ACMG/AMP sequence variant interpretation guidelines (Richards et al. 2015 PMID: 25741868, with internal and published modifications).